The following is an entry in ClinVar:

ClinVar aggregate classification (germline): Uncertain significance (1 of 4 stars; one submission).

Allele frequency attached by ClinVar (database versions not stated): ExAC 0.00001; TOPMed 0.00002; gnomAD 0.00001; ESP Exome Variant Server 0.00008; gnomAD exomes 0.00001.
gnomAD v4.1: 20 of 1,612,778 alleles (0.0012%); highest among the groups gnomAD compares: Non-Finnish European, 0.0016%; no homozygotes.

Submission:

Labcorp Genetics (formerly Invitae), Labcorp
Classification: Uncertain significance. Last evaluated: 2022-08-15. Review status: criteria provided, single submitter. Criteria: Invitae Variant Classification Sherloc (09022015). Collection method: clinical testing. Allele origin: germline.
Comment: In summary, the available evidence is currently insufficient to determine the role of this variant in disease. Therefore, it has been classified as a Variant of Uncertain Significance. Algorithms developed to predict the effect of missense changes on protein structure and function are either unavailable or do not agree on the potential impact of this missense change (SIFT: "Deleterious"; PolyPhen-2: "Benign"; Align-GVGD: "Class C0"). ClinVar contains an entry for this variant (Variation ID: 1480904). This variant has not been reported in the literature in individuals affected with GTF2H5-related conditions. This variant is present in population databases (rs369104295, gnomAD 0.003%). This sequence change replaces alanine, which is neutral and non-polar, with valine, which is neutral and non-polar, at codon 65 of the GTF2H5 protein (p.Ala65Val).

NM_207118.3(GTF2H5):c.194C>T (p.Ala65Val)

Gene: GTF2H5 (general transcription factor IIH subunit 5; plus strand). Cytogenetic location: 6q25.3.
Variant type: single nucleotide variant.
Coding change: c.194C>T on transcript NM_207118.3 (MANE Select); coding-DNA position 194, C replaced by T.
Protein change: p.Ala65Val; replaces alanine 65 with valine.
Molecular consequence: missense variant.
Genome position (GRCh38, 1-based): chr6:158,192,135, C>T. VCF-style: chr6-158192135-C-T. GRCh37 (hg19) VCF-style: chr6-158613167-C-T.
Other names: short protein forms A65V.
Identifiers: ClinVar variation 1480904 (VCV001480904.4), dbSNP rs369104295, ClinGen allele CA4071620.